The following is an entry in ClinVar:

NM_002473.6(MYH9):c.4489C>T (p.Arg1497Trp)

Gene: MYH9 (myosin heavy chain 9; minus strand). Cytogenetic location: 22q12.3.
Variant type: single nucleotide variant.
Coding change: c.4489C>T on transcript NM_002473.6 (MANE Select); coding-DNA position 4489, C replaced by T.
Protein change: p.Arg1497Trp; replaces arginine 1497 with tryptophan.
Molecular consequence: missense variant.
Genome position (GRCh38, 1-based): chr22:36,289,153, G>A on the plus strand (C>T on the coding strand, the complement: MYH9 is on the minus strand). VCF-style: chr22-36289153-G-A. GRCh37 (hg19) VCF-style: chr22-36685199-G-A.
Other names: c.4489C>T (NM_002473.5); short protein forms R1497W.
Identifiers: ClinVar variation 1703777 (VCV001703777.3), dbSNP rs1433769117, ClinGen allele CA411379962.

ClinVar aggregate classification (germline): Uncertain significance. Review status: criteria provided, multiple submitters, no conflicts (2 of 4 stars). 2 submissions from 2 submitters: Uncertain significance (2). Last evaluated 2022-12-12.

Conditions:
Macrothrombocytopenia and granulocyte inclusions with or without nephritis or sensorineural hearing loss (MATINS). Also called: ALPORT SYNDROME WITH MACROTHROMBOCYTOPENIA; Fechtner syndrome; Epstein syndrome; Giant platelet syndrome with thrombocytopenia; SEBASTIAN PLATELET SYNDROME; MACROTHROMBOCYTOPENIA WITH DISPERSED LEUKOCYTIC INCLUSIONS. Identifiers: Orphanet 182050, MedGen C5200934, MONDO:0015912, OMIM 155100.

Allele frequency attached by ClinVar (database versions not stated): TOPMed 0.00002.
gnomAD v4.1: 6 of 1,613,924 alleles (0.00037%); highest among the groups gnomAD compares: East Asian, 0.0022%; no homozygotes.

Submissions (2):

Women's Health and Genetics/Laboratory Corporation of America, LabCorp
Classification: Uncertain significance. Last evaluated: 2022-12-12. Review status: criteria provided, single submitter. Criteria: LabCorp Variant Classification Summary - May 2015. Collection method: clinical testing. Allele origin: germline.
Comment: Variant summary: MYH9 c.4489C>T (p.Arg1497Trp) results in a non-conservative amino acid change located in the Myosin tail domain (IPR002928) of the encoded protein sequence. Five of five in-silico tools predict a damaging effect of the variant on protein function. The variant allele was found at a frequency of 8e-06 in 251118 control chromosomes. The available data on variant occurrences in the general population are insufficient to allow any conclusion about variant significance. c.4489C>T has been reported in the literature in at least one individual affected with non-syndromic hearing loss (e.g. Sloan-Heggen_2016). These data do not allow any conclusion about variant significance. To our knowledge, no experimental evidence demonstrating an impact on protein function has been reported. No clinical diagnostic laboratories have submitted clinical-significance assessments for this variant to ClinVar after 2014. Based on the evidence outlined above, the variant was classified as uncertain significance.

ISTH-SSC Genomics in Thrombosis and Hemostasis, KU Leuven, Center for Molecular and Vascular Biology
Classification: Uncertain significance for Macrothrombocytopenia and granulocyte inclusions with or without nephritis or sensorineural hearing loss. Review status: criteria provided, single submitter. Criteria: ACMG Guidelines, 2015. Collection method: clinical testing. Allele origin: germline. Affected: yes. Observed: 1 heterozygote.
Comment: Submitted to GoldVariant by Jose María Bastida and José Rivera; Grupo Español de Alteraciones Plaquetarias Congénitas (GEAPC)

Literature cited by the submitters: PubMed 26969326 (cited by Women's Health and Genetics/Laboratory Corporation of America, LabCorp).